The following is an entry in ClinVar:

NM_001267550.2(TTN):c.17789G>A (p.Ser5930Asn)

Gene: TTN (titin; minus strand). Cytogenetic location: 2q31.2.
Variant type: single nucleotide variant.
Coding change: c.17789G>A on transcript NM_001267550.2 (MANE Select); coding-DNA position 17789, G replaced by A.
Protein change: p.Ser5930Asn; replaces serine 5930 with asparagine.
Molecular consequence: missense variant. On other transcripts: intron variant (3).
Genome position (GRCh38, 1-based): chr2:178,730,744, C>T on the plus strand (G>A on the coding strand, the complement: TTN is on the minus strand). VCF-style: chr2-178730744-C-T. GRCh37 (hg19) VCF-style: chr2-179595471-C-T.
Other names: c.16838G>A, p.Ser5613Asn (NM_001256850.1); c.14057G>A, p.Ser4686Asn (NM_133378.4); c.13282+7338G>A (NM_003319.4); c.13858+7338G>A (NM_133437.4); c.13657+7338G>A (NM_133432.3); short protein forms S4686N, S5613N, S5930N.
Identifiers: ClinVar variation 4853217 (VCV004853217.1).

ClinVar aggregate classification (germline): Uncertain significance (1 of 4 stars; one submission).

Submission:

Women's Health and Genetics/Laboratory Corporation of America, LabCorp
Classification: Uncertain significance. Last evaluated: 2026-05-12. Review status: criteria provided, single submitter. Criteria: LabCorp Variant Classification Summary - May 2015. Collection method: clinical testing. Allele origin: germline.
Comment: Variant summary: TTN c.14057G>A (p.Ser4686Asn) results in a conservative amino acid change in the encoded protein sequence. Algorithms developed to predict the effect of missense changes on protein structure and function are either unavailable or do not agree on the potential impact of this missense change. The variant was absent in 245172 control chromosomes. The available data on variant occurrences in the general population are insufficient to allow any conclusion about variant significance. To our knowledge, no occurrence of c.14057G>A in individuals affected with TTN-related conditions and no experimental evidence demonstrating its impact on protein function have been reported. No submitters have cited clinical-significance assessments for this variant to ClinVar. Based on the evidence outlined above, the variant was classified as uncertain significance.